The following is an entry in ClinVar:

NM_000245.4(MET):c.2471A>G (p.Asp824Gly)

Gene: MET (MET proto-oncogene, receptor tyrosine kinase; plus strand). Cytogenetic location: 7q31.2.
Variant type: single nucleotide variant.
Coding change: c.2471A>G on transcript NM_000245.4 (MANE Select); coding-DNA position 2471, A replaced by G.
Protein change: p.Asp824Gly; replaces aspartic acid 824 with glycine.
Molecular consequence: missense variant.
Genome position (GRCh38, 1-based): chr7:116,763,156, A>G. VCF-style: chr7-116763156-A-G. GRCh37 (hg19) VCF-style: chr7-116403210-A-G.
Other names: c.2525A>G, p.Asp842Gly (NM_001127500.3); c.2471A>G, p.Asp824Gly (NM_001324401.3); c.1181A>G, p.Asp394Gly (NM_001324402.2); short protein forms D842G, D394G, D824G.
Identifiers: ClinVar variation 454216 (VCV000454216.11), dbSNP rs1446482547, ClinGen allele CA368983328.

ClinVar aggregate classification (germline): Uncertain significance. Review status: criteria provided, multiple submitters, no conflicts (2 of 4 stars). 3 submissions from 3 submitters: Uncertain significance (3). Last evaluated 2025-04-19.

Conditions:
Autosomal recessive nonsyndromic hearing loss 97. Also called: Deafness, autosomal recessive 97. Identifiers: Orphanet 90636, MedGen C4084709, MONDO:0014739, OMIM 616705.
Renal cell carcinoma. Identifiers: Orphanet 217071, MedGen C0007134, MeSH D002292, MONDO:0005086, HP:0005584.
Hereditary cancer-predisposing syndrome. Also called: Hereditary Cancer Syndrome; Hereditary neoplastic syndrome; Neoplastic Syndromes, Hereditary; Tumor predisposition. Identifiers: Orphanet 140162, MedGen C0027672, MeSH D009386, MONDO:0015356.

Allele frequency attached by ClinVar (database versions not stated): gnomAD exomes 0.00001.
gnomAD v4.1: 5 of 1,614,010 alleles (0.00031%); highest among the groups gnomAD compares: Non-Finnish European, 0.00017%; no homozygotes.

Submissions (3):

Ambry Genetics
Classification: Uncertain significance for Hereditary cancer-predisposing syndrome. Last evaluated: 2025-04-19. Review status: criteria provided, single submitter. Criteria: Ambry Variant Classification Scheme 2023. Collection method: clinical testing. Allele origin: germline.
Comment: The p.D842G variant (also known as c.2525A>G), located in coding exon 10 of the MET gene, results from an A to G substitution at nucleotide position 2525. The aspartic acid at codon 842 is replaced by glycine, an amino acid with similar properties. This amino acid position is highly conserved in available vertebrate species. In addition, this alteration is predicted to be deleterious by in silico analysis. Based on the available evidence, the clinical significance of this variant remains unclear.

Labcorp Genetics (formerly Invitae), Labcorp
Classification: Uncertain significance for Renal cell carcinoma. Last evaluated: 2024-10-22. Review status: criteria provided, single submitter. Criteria: Invitae Variant Classification Sherloc (09022015). Collection method: clinical testing. Allele origin: germline.
Comment: This sequence change replaces aspartic acid, which is acidic and polar, with glycine, which is neutral and non-polar, at codon 842 of the MET protein (p.Asp842Gly). This variant is present in population databases (no rsID available, gnomAD 0.004%). This variant has not been reported in the literature in individuals affected with MET-related conditions. ClinVar contains an entry for this variant (Variation ID: 454216). Invitae Evidence Modeling of protein sequence and biophysical properties (such as structural, functional, and spatial information, amino acid conservation, physicochemical variation, residue mobility, and thermodynamic stability) indicates that this missense variant is not expected to disrupt MET protein function with a negative predictive value of 80%. In summary, the available evidence is currently insufficient to determine the role of this variant in disease. Therefore, it has been classified as a Variant of Uncertain Significance.

Baylor Genetics
Classification: Uncertain significance for Autosomal recessive nonsyndromic hearing loss 97. Last evaluated: 2023-12-07. Review status: criteria provided, single submitter. Criteria: ACMG Guidelines, 2015. Collection method: clinical testing. Allele origin: unknown.